The following is an entry in ClinVar:

NM_018082.6(POLR3B):c.52G>T (p.Ala18Ser)

Gene: POLR3B (RNA polymerase III subunit B; plus strand). Cytogenetic location: 12q23.3.
Variant type: single nucleotide variant.
Coding change: c.52G>T on transcript NM_018082.6 (MANE Select); coding-DNA position 52, G replaced by T.
Protein change: p.Ala18Ser; replaces alanine 18 with serine.
Molecular consequence: missense variant.
Genome position (GRCh38, 1-based): chr12:106,357,931, G>T. VCF-style: chr12-106357931-G-T. GRCh37 (hg19) VCF-style: chr12-106751709-G-T.
Other names: short protein forms A18S.
Identifiers: ClinVar variation 1939723 (VCV001939723.5), dbSNP rs2036409168, ClinGen allele CA386384619.
Genomic context (GRCh38, chr12:106,357,931, plus strand): 5'-GTGAGCAGCATGGACGTGCTAGCGGAGGAGTTTGGGAACCTGACTCCGGAGCAGCTGGCG[G>T]CGCCGATCCCGACTGTAGAGGTCAGTGCCAGGCACGCAGGGAGCGTCAGGGACAAGGATG-3'
Protein context (NP_060552.4, residues 8-28): FGNLTPEQLA[Ala18Ser]PIPTVEEKWR

ClinVar aggregate classification (germline): Uncertain significance (1 of 4 stars; one submission).

Submission:

Labcorp Genetics (formerly Invitae), Labcorp
Classification: Uncertain significance. Last evaluated: 2023-12-07. Review status: criteria provided, single submitter. Criteria: Invitae Variant Classification Sherloc (09022015). Collection method: clinical testing. Allele origin: germline.
Comment: This sequence change replaces alanine, which is neutral and non-polar, with serine, which is neutral and polar, at codon 18 of the POLR3B protein (p.Ala18Ser). This variant is not present in population databases (gnomAD no frequency). This variant has not been reported in the literature in individuals affected with POLR3B-related conditions. ClinVar contains an entry for this variant (Variation ID: 1939723). An algorithm developed to predict the effect of missense changes on protein structure and function (PolyPhen-2) suggests that this variant is likely to be tolerated. In summary, the available evidence is currently insufficient to determine the role of this variant in disease. Therefore, it has been classified as a Variant of Uncertain Significance.